The following is an entry in ClinVar:

NM_033305.3(VPS13A):c.8668-1G>A

Gene: VPS13A (vacuolar protein sorting 13 homolog A; plus strand). Cytogenetic location: 9q21.2.
Variant type: single nucleotide variant.
Coding change: c.8668-1G>A on transcript NM_033305.3 (MANE Select); the canonical splice acceptor site of the intron before coding-DNA position 8668, G replaced by A.
Molecular consequence: splice acceptor variant.
Genome position (GRCh38, 1-based): chr9:77,370,256, G>A. VCF-style: chr9-77370256-G-A. GRCh37 (hg19) VCF-style: chr9-79985172-G-A.
Other names: c.8668-1G>A (NM_033305.2, NM_015186.4, NM_001018038.3); c.8551-1G>A (NM_001018037.2).
Identifiers: ClinVar variation 1066476 (VCV001066476.12), dbSNP rs2131587158, ClinGen allele CA373866929.

ClinVar aggregate classification (germline): Likely pathogenic. Review status: criteria provided, multiple submitters, no conflicts (2 of 4 stars). 2 submissions from 2 submitters: Likely pathogenic (2). Last evaluated 2025-06-25.

Conditions:
VPS13A-related neurodegenerative disease. Also called: LEVINE-CRITCHLEY SYNDROME; Choreoacanthocytosis; ACANTHOCYTOSIS WITH NEUROLOGIC DISORDER; Chorea-acanthocytosis; Choreaacanthocytosis; VPS13A Disease. Identifiers: Orphanet 2388, MedGen C0393576, MONDO:0008695, OMIM 200150.

Submissions (2):

Labcorp Genetics (formerly Invitae), Labcorp
Classification: Likely pathogenic. Last evaluated: 2025-06-25. Review status: criteria provided, single submitter. Criteria: Invitae Variant Classification Sherloc (09022015). Collection method: clinical testing. Allele origin: germline.
Comment: This sequence change affects an acceptor splice site in intron 63 of the VPS13A gene. It is expected to disrupt RNA splicing. Variants that disrupt the donor or acceptor splice site typically lead to a loss of protein function (PMID: 16199547), and loss-of-function variants in VPS13A are known to be pathogenic (PMID: 12404112, 21598378). This variant is not present in population databases (gnomAD no frequency). This variant has not been reported in the literature in individuals affected with VPS13A-related conditions. ClinVar contains an entry for this variant (Variation ID: 1066476). Algorithms developed to predict the effect of sequence changes on RNA splicing suggest that this variant may disrupt the consensus splice site. In summary, the currently available evidence indicates that the variant is pathogenic, but additional data are needed to prove that conclusively. Therefore, this variant has been classified as Likely Pathogenic.

Natera, Inc.
Classification: Likely pathogenic for Choreaacanthocytosis. Last evaluated: 2024-10-03. Review status: criteria provided, single submitter. Criteria: Natera Variant Classification Schema (03/2026). Collection method: clinical testing. Allele origin: germline.
Comment: The c.8668-1G>A variant in VPS13A is a canonical splice acceptor site variant predicted to affect pre-mRNA splicing, which may result in an abnormal transcript and altered protein product. This variant is expected to result in nonsense mediated decay, truncation, or a dysfunctional protein product. This variant is rare in the general population with a frequency below the threshold expected for the associated phenotype(s). Given the available evidence, this variant is classified as Likely Pathogenic.

Literature cited by the submitters: PubMed 16199547 (cited by Labcorp Genetics (formerly Invitae), Labcorp); PubMed 12404112 (cited by Labcorp Genetics (formerly Invitae), Labcorp); PubMed 21598378 (cited by Labcorp Genetics (formerly Invitae), Labcorp).